The following is an entry in ClinVar:

ClinVar aggregate classification (germline): Pathogenic (1 of 4 stars; one submission).

Submission:

Labcorp Genetics (formerly Invitae), Labcorp
Classification: Pathogenic. Last evaluated: 2025-04-13. Review status: criteria provided, single submitter. Criteria: Invitae Variant Classification Sherloc (09022015). Collection method: clinical testing. Allele origin: germline.
Comment: This sequence change creates a premature translational stop signal (p.Thr94Argfs*79) in the LAT gene. It is expected to result in an absent or disrupted protein product. Loss-of-function variants in LAT are known to be pathogenic (PMID: 27242165, 27522155). This variant is not present in population databases (gnomAD no frequency). This variant has not been reported in the literature in individuals affected with LAT-related conditions. For these reasons, this variant has been classified as Pathogenic.

Literature cited by the submitters: PubMed 27242165; PubMed 27522155.

NM_001014987.2(LAT):c.279del (p.Thr94fs)

Gene: LAT (linker for activation of T cells; plus strand). Cytogenetic location: 16p11.2.
Variant type: Deletion.
Coding change: c.279del on transcript NM_001014987.2 (MANE Select); coding-DNA position 279, one base deleted (G; older notation c.279delG).
Protein change: p.Thr94fs; shifts the reading frame from threonine 94.
Molecular consequence: frameshift variant.
Genome position (GRCh38, 1-based): chr16:28,986,415, G deleted; the last of 2 consecutive G bases (chr16:28,986,414-28,986,415); deleting either gives the same sequence. VCF-style (leftmost placement, unchanged base first): chr16-28986413-CG-C. GRCh37 (hg19) VCF-style: chr16-28997734-CG-C.
Other names: c.276del, p.Thr93fs (NM_001014988.2); c.387del, p.Thr130fs (NM_001014989.2); c.279del, p.Thr94fs (NM_014387.4); short protein forms T93fs, T94fs, T130fs.
Identifiers: ClinVar variation 4717457 (VCV004717457.1).